The following is an entry in ClinVar:

NM_003072.5(SMARCA4):c.215T>C (p.Met72Thr)

Gene: SMARCA4 (SWI/SNF related BAF chromatin remodeling complex subunit ATPase 4; plus strand). Cytogenetic location: 19p13.2.
Variant type: single nucleotide variant.
Coding change: c.215T>C on transcript NM_003072.5 (MANE Select); coding-DNA position 215, T replaced by C.
Protein change: p.Met72Thr; replaces methionine 72 with threonine.
Molecular consequence: missense variant. On other transcripts: non-coding transcript variant (1).
Genome position (GRCh38, 1-based): chr19:10,984,366, T>C. VCF-style: chr19-10984366-T-C. GRCh37 (hg19) VCF-style: chr19-11095042-T-C.
Other names: c.215T>C, p.Met72Thr (NM_001128848.2, NM_001411150.1, NM_001128849.3 and 6 more transcripts); short protein forms M72T.
Identifiers: ClinVar variation 1786889 (VCV001786889.2), dbSNP rs1189780551, ClinGen allele CA404054704.

ClinVar aggregate classification (germline): Uncertain significance (1 of 4 stars; one submission).

Conditions:
Hereditary cancer-predisposing syndrome. Also called: Neoplastic Syndromes, Hereditary; Tumor predisposition; Hereditary Cancer Syndrome; Hereditary neoplastic syndrome. Identifiers: Orphanet 140162, MedGen C0027672, MeSH D009386, MONDO:0015356.

gnomAD v4.1: 2 of 1,586,248 alleles (0.00013%); highest among the groups gnomAD compares: South Asian, 0.0011%; no homozygotes.

Submission:

Ambry Genetics
Classification: Uncertain significance for Hereditary cancer-predisposing syndrome. Last evaluated: 2022-04-27. Review status: criteria provided, single submitter. Criteria: Ambry Variant Classification Scheme 2023. Collection method: clinical testing. Allele origin: germline.
Comment: The p.M72T variant (also known as c.215T>C), located in coding exon 1 of the SMARCA4 gene, results from a T to C substitution at nucleotide position 215. The methionine at codon 72 is replaced by threonine, an amino acid with similar properties. This amino acid position is highly conserved in available vertebrate species. In addition, the in silico prediction for this alteration is inconclusive. Missense and in-frame variants in SMARCA4 are known to cause neurodevelopmental disorders; however, such associations with rhabdoid tumor predisposition syndrome including small cell carcinoma of the ovary-hypercalcemic type (SCCOHT) are exceedingly rare (Kosho T et al. Am J Med Genet C Semin Med Genet. 2014 Sep;166C(3):262-75; Jelinic P et al. Nat Genet. 2014 May;46(5):424-6). Based on the supporting evidence, the association of this alteration with Coffin-Siris syndrome is unknown; however, the association of this alteration with rhabdoid tumor predisposition syndrome is unlikely.